The following is an entry in ClinVar:

NM_032119.4(ADGRV1):c.16352A>T (p.Glu5451Val)

Gene: ADGRV1 (adhesion G protein-coupled receptor V1; plus strand). Cytogenetic location: 5q14.3.
Variant type: single nucleotide variant.
Coding change: c.16352A>T on transcript NM_032119.4 (MANE Select); coding-DNA position 16352, A replaced by T.
Protein change: p.Glu5451Val; replaces glutamic acid 5451 with valine.
Molecular consequence: missense variant. On other transcripts: non-coding transcript variant (1).
Genome position (GRCh38, 1-based): chr5:90,823,580, A>T. VCF-style: chr5-90823580-A-T. GRCh37 (hg19) VCF-style: chr5-90119397-A-T.
Other names: short protein forms E5451V.
Identifiers: ClinVar variation 3899029 (VCV003899029.1).
Genomic context (GRCh38, chr5:90,823,580, plus strand): 5'-AGTCTGTGTCAGGGACCACAACCTGTACAATGGGTCAAACAAAATGCTTTATCAGCATTG[A>T]ACTCAAACCAGAAAAGGTAAGAAATGAAGAGACACACTAGTGTCAACTTCTAATTATATT-3'
Protein context (NP_115495.3, residues 5441-5461): MGQTKCFISI[Glu5451Val]LKPEKVPQVE

ClinVar aggregate classification (germline): Uncertain significance (1 of 4 stars; one submission).

gnomAD v4.1: 2 of 1,613,776 alleles (0.00012%); highest among the groups gnomAD compares: Non-Finnish European, 0.00017%; no homozygotes.

Submission:

GeneDx
Classification: Uncertain significance. Last evaluated: 2024-11-11. Review status: criteria provided, single submitter. Criteria: GeneDx Variant Classification Process June 2021. Collection method: clinical testing. Allele origin: germline. Affected: yes.
Comment: Not observed at significant frequency in large population cohorts (gnomAD); In silico analysis supports that this missense variant has a deleterious effect on protein structure/function; Has not been previously published as pathogenic or benign to our knowledge